The following is an entry in ClinVar:

NM_021620.4(PRDM13):c.1810A>G (p.Lys604Glu)

Gene: PRDM13 (PR/SET domain 13; plus strand). Cytogenetic location: 6q16.2.
Variant type: single nucleotide variant.
Coding change: c.1810A>G on transcript NM_021620.4 (MANE Select); coding-DNA position 1810, A replaced by G.
Protein change: p.Lys604Glu; replaces lysine 604 with glutamic acid.
Molecular consequence: missense variant.
Genome position (GRCh38, 1-based): chr6:99,614,445, A>G. VCF-style: chr6-99614445-A-G. GRCh37 (hg19) VCF-style: chr6-100062321-A-G.
Other names: c.1810A>G (NM_021620.3); short protein forms K604E.
Identifiers: ClinVar variation 1895728 (VCV001895728.6), dbSNP rs1248403278, ClinGen allele CA365121683.

ClinVar aggregate classification (germline): Uncertain significance. Review status: criteria provided, multiple submitters, no conflicts (2 of 4 stars). 2 submissions from 2 submitters: Uncertain significance (2). Last evaluated 2025-02-26.

Conditions:
Inborn genetic diseases. Identifiers: MedGen C0950123, MeSH D030342.

Allele frequency attached by ClinVar (database versions not stated): gnomAD 0.00002; TOPMed 0.00002.
gnomAD v4.1: 36 of 1,613,520 alleles (0.0022%); highest among the groups gnomAD compares: Non-Finnish European, 0.0029%; no homozygotes.

Submissions (2):

Ambry Genetics
Classification: Uncertain significance for Inborn genetic diseases. Last evaluated: 2025-02-26. Review status: criteria provided, single submitter. Criteria: Ambry Variant Classification Scheme 2023. Collection method: clinical testing. Allele origin: germline.

Labcorp Genetics (formerly Invitae), Labcorp
Classification: Uncertain significance. Last evaluated: 2023-04-07. Review status: criteria provided, single submitter. Criteria: Invitae Variant Classification Sherloc (09022015). Collection method: clinical testing. Allele origin: germline.
Comment: In summary, the available evidence is currently insufficient to determine the role of this variant in disease. Therefore, it has been classified as a Variant of Uncertain Significance. An algorithm developed to predict the effect of missense changes on protein structure and function (PolyPhen-2) suggests that this variant is likely to be disruptive. ClinVar contains an entry for this variant (Variation ID: 1895728). This variant has not been reported in the literature in individuals affected with PRDM13-related conditions. This variant is present in population databases (no rsID available, gnomAD 0.002%). This sequence change replaces lysine, which is basic and polar, with glutamic acid, which is acidic and polar, at codon 604 of the PRDM13 protein (p.Lys604Glu).